The following is an entry in ClinVar:

NM_178138.6(LHX3):c.215G>A (p.Arg72Gln)

Gene: LHX3 (LIM homeobox 3; minus strand). Cytogenetic location: 9q34.3.
Variant type: single nucleotide variant.
Coding change: c.215G>A on transcript NM_178138.6 (MANE Select); coding-DNA position 215, G replaced by A.
Protein change: p.Arg72Gln; replaces arginine 72 with glutamine.
Molecular consequence: missense variant.
Genome position (GRCh38, 1-based): chr9:136,200,618, C>T on the plus strand (G>A on the coding strand, the complement: LHX3 is on the minus strand). VCF-style: chr9-136200618-C-T. GRCh37 (hg19) VCF-style: chr9-139092464-C-T.
Other names: c.182G>A, p.Arg61Gln (NM_001363746.1); c.230G>A, p.Arg77Gln (NM_014564.5); c.230G>A (NM_014564.3); short protein forms R61Q, R72Q, R77Q.
Identifiers: ClinVar variation 1399616 (VCV001399616.7), dbSNP rs769081925, ClinGen allele CA5330585.

ClinVar aggregate classification (germline): Uncertain significance. Review status: criteria provided, multiple submitters, no conflicts (2 of 4 stars). 3 submissions from 3 submitters: Uncertain significance (3). Last evaluated 2025-02-22.

Conditions:
Inborn genetic diseases. Identifiers: MedGen C0950123, MeSH D030342.

Allele frequency attached by ClinVar (database versions not stated): gnomAD 0.00002; TOPMed 0.00002; ExAC 0.00001; gnomAD exomes 0.00001.
gnomAD v4.1: 23 of 1,613,488 alleles (0.0014%); highest among the groups gnomAD compares: East Asian, 0.0022%; no homozygotes.

Submissions (3):

Ambry Genetics
Classification: Uncertain significance for Inborn genetic diseases. Last evaluated: 2025-02-22. Review status: criteria provided, single submitter. Criteria: Ambry Variant Classification Scheme 2023. Collection method: clinical testing. Allele origin: germline.

Women's Health and Genetics/Laboratory Corporation of America, LabCorp
Classification: Uncertain significance. Last evaluated: 2024-09-13. Review status: criteria provided, single submitter. Criteria: LabCorp Variant Classification Summary - May 2015. Collection method: clinical testing. Allele origin: germline.
Comment: Variant summary: LHX3 c.230G>A (p.Arg77Gln) results in a conservative amino acid change located in the Zinc finger, LIM-type (IPR001781) of the encoded protein sequence. Four of five in-silico tools predict a damaging effect of the variant on protein function. The variant allele was found at a frequency of 8e-06 in 250334 control chromosomes. The available data on variant occurrences in the general population are insufficient to allow any conclusion about variant significance. To our knowledge, no occurrence of c.230G>A in individuals affected with Combined Pituitary Hormone Deficiency and no experimental evidence demonstrating its impact on protein function have been reported. ClinVar contains an entry for this variant (Variation ID: 1399616). Based on the evidence outlined above, the variant was classified as uncertain significance.

Labcorp Genetics (formerly Invitae), Labcorp
Classification: Uncertain significance. Last evaluated: 2021-09-17. Review status: criteria provided, single submitter. Criteria: Invitae Variant Classification Sherloc (09022015). Collection method: clinical testing. Allele origin: germline.
Comment: This sequence change replaces arginine with glutamine at codon 77 of the LHX3 protein (p.Arg77Gln). The arginine residue is highly conserved and there is a small physicochemical difference between arginine and glutamine. This variant is present in population databases (rs769081925, ExAC 0.002%). This variant has not been reported in the literature in individuals affected with LHX3-related conditions. Algorithms developed to predict the effect of missense changes on protein structure and function are either unavailable or do not agree on the potential impact of this missense change (SIFT: "Not Available"; PolyPhen-2: "Probably Damaging"; Align-GVGD: "Not Available"). In summary, the available evidence is currently insufficient to determine the role of this variant in disease. Therefore, it has been classified as a Variant of Uncertain Significance.